The following is an entry in ClinVar:

ClinVar aggregate classification (germline): Uncertain significance (1 of 4 stars; one submission).

Allele frequency attached by ClinVar (database versions not stated): gnomAD exomes below 0.00001; TOPMed below 0.00001.
gnomAD v4.1: 2 of 1,589,234 alleles (0.00013%); highest among the groups gnomAD compares: Non-Finnish European, 0.000085%; no homozygotes.

Submission:

Labcorp Genetics (formerly Invitae), Labcorp
Classification: Uncertain significance. Last evaluated: 2022-02-28. Review status: criteria provided, single submitter. Criteria: Invitae Variant Classification Sherloc (09022015). Collection method: clinical testing. Allele origin: germline.
Comment: This sequence change replaces asparagine, which is neutral and polar, with serine, which is neutral and polar, at codon 258 of the IFT57 protein (p.Asn258Ser). In summary, the available evidence is currently insufficient to determine the role of this variant in disease. Therefore, it has been classified as a Variant of Uncertain Significance. Algorithms developed to predict the effect of sequence changes on RNA splicing suggest that this variant may create or strengthen a splice site. Algorithms developed to predict the effect of missense changes on protein structure and function (SIFT, PolyPhen-2, Align-GVGD) all suggest that this variant is likely to be tolerated. This variant has not been reported in the literature in individuals affected with IFT57-related conditions. This variant is not present in population databases (gnomAD no frequency).

NM_018010.4(IFT57):c.773A>G (p.Asn258Ser)

Gene: IFT57 (intraflagellar transport 57; minus strand). Cytogenetic location: 3q13.12.
Variant type: single nucleotide variant.
Coding change: c.773A>G on transcript NM_018010.4 (MANE Select); coding-DNA position 773, A replaced by G.
Protein change: p.Asn258Ser; replaces asparagine 258 with serine.
Molecular consequence: missense variant.
Genome position (GRCh38, 1-based): chr3:108,191,525, T>C on the plus strand (A>G on the coding strand, the complement: IFT57 is on the minus strand). VCF-style: chr3-108191525-T-C. GRCh37 (hg19) VCF-style: chr3-107910372-T-C.
Other names: short protein forms N258S.
Identifiers: ClinVar variation 1493966 (VCV001493966.6), dbSNP rs1406254113, ClinGen allele CA353906278.